The following is an entry in ClinVar:

NM_017617.5(NOTCH1):c.2969+6C>T

Gene: NOTCH1 (notch receptor 1; minus strand). Cytogenetic location: 9q34.3.
Variant type: single nucleotide variant.
Coding change: c.2969+6C>T on transcript NM_017617.5 (MANE Select); 6 bases into the intron after coding-DNA position 2969, C replaced by T.
Molecular consequence: intron variant.
Genome position (GRCh38, 1-based): chr9:136,509,727, G>A on the plus strand (C>T on the coding strand, the complement: NOTCH1 is on the minus strand). VCF-style: chr9-136509727-G-A. GRCh37 (hg19) VCF-style: chr9-139404179-G-A.
Identifiers: ClinVar variation 2143134 (VCV002143134.4), dbSNP rs368973940, ClinGen allele CA201581932.

ClinVar aggregate classification (germline): Uncertain significance (1 of 4 stars; one submission).

Conditions:
Adams-Oliver syndrome 5 (AOS5). Identifiers: Orphanet 974, MedGen C4014970, MONDO:0014459, OMIM 616028.

Allele frequency attached by ClinVar (database versions not stated): gnomAD exomes 0.00001; TOPMed 0.00002; gnomAD 0.00004; ESP Exome Variant Server 0.00008.
gnomAD v4.1: 20 of 1,611,258 alleles (0.0012%); highest among the groups gnomAD compares: South Asian, 0.0066%; no homozygotes.

Submission:

Labcorp Genetics (formerly Invitae), Labcorp
Classification: Uncertain significance for Adams-Oliver syndrome 5. Last evaluated: 2025-04-17. Review status: criteria provided, single submitter. Criteria: Invitae Variant Classification Sherloc (09022015). Collection method: clinical testing. Allele origin: germline.
Comment: This sequence change falls in intron 18 of the NOTCH1 gene. It does not directly change the encoded amino acid sequence of the NOTCH1 protein. It affects a nucleotide within the consensus splice site. This variant is present in population databases (rs368973940, gnomAD 0.006%). This variant has not been reported in the literature in individuals affected with NOTCH1-related conditions. ClinVar contains an entry for this variant (Variation ID: 2143134). Variants that disrupt the consensus splice site are a relatively common cause of aberrant splicing (PMID: 17576681, 9536098). Algorithms developed to predict the effect of sequence changes on RNA splicing suggest that this variant is not likely to affect RNA splicing. In summary, the available evidence is currently insufficient to determine the role of this variant in disease. Therefore, it has been classified as a Variant of Uncertain Significance.

Literature cited by the submitters: PubMed 17576681; PubMed 9536098.